The following continues an entry in ClinVar:

NM_000059.4(BRCA2):c.5554G>A (p.Val1852Ile)

Gene: BRCA2. ClinVar aggregate classification (germline): Conflicting classifications of pathogenicity. Uncertain significance (4); Likely benign (9).

Submissions 10 to 17 of 17:

Sema4
Classification: Uncertain significance for Hereditary cancer-predisposing syndrome. Last evaluated: 2021-11-15. Review status: criteria provided, single submitter. Criteria: Sema4 Curation Guidelines. Collection method: curation. Allele origin: germline.
Comment: The BRCA2 c.5554G>A (p.V1852I) missense variant has been reported in individuals with breast cancer, in individuals with cancer, and in healthy controls undergoing hereditary cancer testing (PMID: 33875706, 23555315, 30287823). This variant was observed in 9/127900 chromosomes in the Non-Finnish European population according to the Genome Aggregation Database (PMID: 32461654). This variant has been reported in ClinVar (Variation ID 37973). Functional studies have not been performed, and in silico predictions of the variant's effect on protein function are inconclusive. The overall evidence is insufficient to meet ACMG/AMP criteria for classifying it as benign or pathogenic. In summary, the clinical significance of this variant is currently uncertain.

GeneDx
Classification: Likely benign. Last evaluated: 2019-12-26. Review status: criteria provided, single submitter. Criteria: GeneDx Variant Classification Process June 2021. Collection method: clinical testing. Allele origin: germline. Affected: yes.
Comment: This variant is associated with the following publications: (PMID: 25348012, 23555315, 10923033, 29416916, 29467240, 21520333, 30287823, 31131967)

Ambry Genetics
Classification: Likely benign for Hereditary cancer-predisposing syndrome. Last evaluated: 2018-06-08. Review status: criteria provided, single submitter. Criteria: Ambry Variant Classification Scheme 2023. Collection method: clinical testing. Allele origin: germline.

Color Diagnostics, LLC DBA Color Health
Classification: Likely benign for Hereditary cancer-predisposing syndrome. Last evaluated: 2016-10-31. Review status: criteria provided, single submitter. Criteria: ACMG Guidelines, 2015. Collection method: clinical testing. Allele origin: germline.

Mayo Clinic Laboratories, Mayo Clinic
Classification: Uncertain significance. Last evaluated: 2017-06-23. Review status: no assertion criteria provided. Collection method: clinical testing. Allele origin: unknown. Not counted in ClinVar's aggregate classification.

Counsyl
Classification: Uncertain significance for Breast-ovarian cancer, familial, susceptibility to, 2. Last evaluated: 2016-07-29. Review status: no assertion criteria provided. Collection method: clinical testing. Allele origin: unknown. Not counted in ClinVar's aggregate classification.

Sharing Clinical Reports Project (SCRP)
Classification: Uncertain significance for Breast-ovarian cancer, familial 2. Last evaluated: 2012-04-18. Review status: no assertion criteria provided. Collection method: clinical testing. Allele origin: germline. Not counted in ClinVar's aggregate classification.

Breast Cancer Information Core (BIC) (BRCA2)
Classification: Uncertain significance for Breast-ovarian cancer, familial 2. Last evaluated: 2004-02-20. Review status: no assertion criteria provided. Collection method: clinical testing. Allele origin: germline. Affected: yes. Observed: 2 variant alleles. Not counted in ClinVar's aggregate classification.

Literature cited by the submitters: PubMed 23555315 (cited by 4 submitters); PubMed 25348012 (cited by 3 submitters); PubMed 30287823 (cited by 3 submitters); PubMed 29467240 (cited by Women's Health and Genetics/Laboratory Corporation of America, LabCorp and Quest Diagnostics Nichols Institute San Juan Capistrano); PubMed 30415210 (cited by Women's Health and Genetics/Laboratory Corporation of America, LabCorp and Quest Diagnostics Nichols Institute San Juan Capistrano); PubMed 31131967 (cited by Women's Health and Genetics/Laboratory Corporation of America, LabCorp and Quest Diagnostics Nichols Institute San Juan Capistrano); PubMed 33471991 (cited by 3 submitters); PubMed 33875706 (cited by 3 submitters); PubMed 31907386 (cited by Women's Health and Genetics/Laboratory Corporation of America, LabCorp); PubMed 35534704 (cited by Women's Health and Genetics/Laboratory Corporation of America, LabCorp and Quest Diagnostics Nichols Institute San Juan Capistrano); PubMed 36896836 (cited by Women's Health and Genetics/Laboratory Corporation of America, LabCorp and Quest Diagnostics Nichols Institute San Juan Capistrano); PubMed 32980694 (cited by Quest Diagnostics Nichols Institute San Juan Capistrano); PubMed 36243179 (cited by Quest Diagnostics Nichols Institute San Juan Capistrano).